The following is an entry in ClinVar:

NM_003673.4(TCAP):c.92C>A (p.Ser31Tyr)

Gene: TCAP (titin-cap; plus strand). Cytogenetic location: 17q12.
Variant type: single nucleotide variant.
Coding change: c.92C>A on transcript NM_003673.4 (MANE Select); coding-DNA position 92, C replaced by A.
Protein change: p.Ser31Tyr; replaces serine 31 with tyrosine.
Molecular consequence: missense variant.
Genome position (GRCh38, 1-based): chr17:39,665,451, C>A. VCF-style: chr17-39665451-C-A. GRCh37 (hg19) VCF-style: chr17-37821704-C-A.
Other names: short protein forms S31Y.
Identifiers: ClinVar variation 3759364 (VCV003759364.2).

ClinVar aggregate classification (germline): Uncertain significance (1 of 4 stars; one submission).

Conditions:
Primary familial hypertrophic cardiomyopathy (HCM). Identifiers: Orphanet 99739, MedGen C0949658, MeSH D024741, MONDO:0024573. Inheritance: Various modes of inheritance.
Hypertrophic cardiomyopathy 25 (CMH25). Also called: CARDIOMYOPATHY, FAMILIAL HYPERTROPHIC, 25. Identifiers: MedGen C4225408, MONDO:0011843, OMIM 607487.

Submission:

Labcorp Genetics (formerly Invitae), Labcorp
Classification: Uncertain significance for Hypertrophic cardiomyopathy 25; Primary familial hypertrophic cardiomyopathy. Last evaluated: 2024-10-04. Review status: criteria provided, single submitter. Criteria: Invitae Variant Classification Sherloc (09022015). Collection method: clinical testing. Allele origin: germline.
Comment: This sequence change replaces serine, which is neutral and polar, with tyrosine, which is neutral and polar, at codon 31 of the TCAP protein (p.Ser31Tyr). This variant is not present in population databases (gnomAD no frequency). This variant has not been reported in the literature in individuals affected with TCAP-related conditions. An algorithm developed to predict the effect of missense changes on protein structure and function (PolyPhen-2) suggests that this variant is likely to be disruptive. In summary, the available evidence is currently insufficient to determine the role of this variant in disease. Therefore, it has been classified as a Variant of Uncertain Significance.